The following is an entry in ClinVar:

NM_024426.6(WT1):c.1422C>A (p.His474Gln)

Gene: WT1 (WT1 transcription factor; minus strand). Cytogenetic location: 11p13.
Variant type: single nucleotide variant.
Coding change: c.1422C>A on transcript NM_024426.6 (MANE Select); coding-DNA position 1422, C replaced by A.
Protein change: p.His474Gln; replaces histidine 474 with glutamine.
Molecular consequence: missense variant. On other transcripts: non-coding transcript variant (2), intron variant (2).
Genome position (GRCh38, 1-based): chr11:32,391,997, G>T on the plus strand (C>A on the coding strand, the complement: WT1 is on the minus strand). VCF-style: chr11-32391997-G-T. GRCh37 (hg19) VCF-style: chr11-32413543-G-T.
Other names: c.1371C>A, p.His457Gln (NM_000378.6, NM_001407045.1); c.771C>A, p.His257Gln (NM_001198551.2); c.720C>A, p.His240Gln (NM_001198552.2); c.234C>A, p.His78Gln (NM_001367854.1); c.1416C>A, p.His472Gln (NM_001407044.1); c.1299C>A, p.His433Gln (NM_001407047.1); c.1281C>A, p.His427Gln (NM_001407048.1); c.1248C>A, p.His416Gln (NM_001407050.1); and 6 more; short protein forms H220Q, H257Q, H469Q, H474Q, H78Q, H416Q, H427Q, H240Q.
Identifiers: ClinVar variation 3572462 (VCV003572462.2).
Genomic context (GRCh38, chr11:32,391,997, plus strand): 5'-TAATGAAAAATAAATGTGAAGAAAAGTTTACGCACTTGTTTTACCTGTATGAGTCCTGGT[G>T]TGGGTCTTCAGGTGGTCGGACCGGGAGAACTTTCGCTGACAAGTTTTACACTGGAATGGT-3'
Protein context (NP_077744.4, residues 464-484): KFSRSDHLKT[His474Gln]TRTHTGKTSE

ClinVar aggregate classification (germline): Pathogenic (1 of 4 stars; one submission).

Submission:

GeneDx
Classification: Pathogenic. Last evaluated: 2026-09-25. Review status: criteria provided, single submitter. Criteria: GeneDx Variant Classification Process June 2021. Collection method: clinical testing. Allele origin: germline.
Comment: Not observed at significant frequency in large population cohorts (gnomAD); In silico analysis supports that this missense variant has a deleterious effect on protein structure/function; This variant is associated with the following publications: (PMID: 25383892, 29294058)